The following is an entry in ClinVar:

NM_001267550.2(TTN):c.83340_83341delinsTTT (p.Lys27780fs)

Genes: TTN (titin; minus strand), TTN-AS1 (TTN antisense RNA 1; plus strand). Cytogenetic location: 2q31.2.
Variant type: Indel.
Coding change: c.83340_83341delinsTTT on transcript NM_001267550.2 (MANE Select); coding-DNA positions 83340 to 83341, AG replaced by TTT.
Protein change: p.Lys27780fs; shifts the reading frame from lysine 27780.
Molecular consequence: frameshift variant.
Genome position (GRCh38, 1-based): chr2:178,562,791-178,562,792, CT replaced by AAA on the plus strand (AG replaced by TTT on the coding strand, the reverse complement: TTN is on the minus strand). VCF-style: chr2-178562791-CT-AAA. GRCh37 (hg19) VCF-style: chr2-179427518-CT-AAA.
Other names: NP_001254479.2:p.(Lys27780AsnfsTer14); c.78417_78418delinsTTT, p.Lys26139fs (NM_001256850.1); c.56145_56146delinsTTT, p.Lys18715fs (NM_003319.4); c.75636_75637delinsTTT, p.Lys25212fs (NM_133378.4); c.56520_56521delinsTTT, p.Lys18840fs (NM_133432.3); c.56721_56722delinsTTT, p.Lys18907fs (NM_133437.4); c.56145_56146delAGinsTTT (NM_003319.4); short protein forms K18715fs, K18840fs, K18907fs, K25212fs, K26139fs, K27780fs.
Identifiers: ClinVar variation 2505122 (VCV002505122.3), dbSNP rs2468135575, ClinGen allele CA2580614433.

ClinVar aggregate classification (germline): Pathogenic. Review status: criteria provided, single submitter (1 of 4 stars). 2 submissions from 2 submitters: Pathogenic (1). 1 of the submissions does not count toward it. Last evaluated 2024-10-25.

Conditions:
Cardiovascular phenotype. Identifiers: MedGen CN230736.
Primary dilated cardiomyopathy (DCM). Also called: Dilated Cardiomyopathy. Identifiers: Orphanet 217604, MedGen C0007193, MeSH D002311, MONDO:0005021, HP:0001644. Inheritance: Various modes of inheritance.

Submissions (2):

Ambry Genetics
Classification: Pathogenic for Cardiovascular phenotype. Last evaluated: 2024-10-25. Review status: criteria provided, single submitter. Criteria: Ambry Variant Classification Scheme 2023. Collection method: clinical testing. Allele origin: germline.
Comment: The c.56145_56146delAGinsTTT pathogenic mutation, located in coding exon 153 of the TTN gene, results from the deletion of two nucleotides and insertion of 3 nucleotides causing a translational frameshift with a predicted alternate stop codon (p.K18715Nfs*14). This exon is located in the A-band region of the N2-B isoform of the titin protein and is constitutively expressed in TTN transcripts (percent spliced in or PSI 100%). This variant (also referred to as NM_001267550.2:c.83340_83341delinsTTT) has been detected in individuals with a personal and/or family history consistent with dilated cardiomyopathy (Perret C et al. Clin Genet, 2024 Feb;105:185-189; Ambry internal data). This variant is considered to be rare based on population cohorts in the Genome Aggregation Database (gnomAD). This alteration is expected to result in loss of function by premature protein truncation or nonsense-mediated mRNA decay. While truncating variants in TTN are present in 1-3% of the general population, truncating variants in the A-band are the most common cause of dilated cardiomyopathy (DCM) (Herman DS et al. N. Engl. J. Med., 2012 Feb;366:619-28; Roberts AM et al. Sci Transl Med, 2015 Jan;7:270ra6). TTN truncating variants encoded in constitutive exons (PSI >90%) have been found to be significantly associated with DCM regardless of their position in titin (Schafer S et al. Nat. Genet., 2017 01;49:46-53). Based on the supporting evidence, this variant is interpreted as a disease-causing mutation.

Research Unit of Cardiovascular and Metabolic Disease, Inserm
Classification: Likely pathogenic for Dilated CardioMyopathy. Last evaluated: 2022-07-21. Review status: no assertion criteria provided. Collection method: research. Allele origin: germline. Affected: yes. Observed: 1 variant allele. Not counted in ClinVar's aggregate classification.

Literature cited by the submitters: PubMed 37904629 (cited by Ambry Genetics).